The following is an entry in ClinVar:

NM_001174147.2(LMX1B):c.803A>C (p.Gln268Pro)

Gene: LMX1B (LIM homeobox transcription factor 1 beta; plus strand). Cytogenetic location: 9q33.3.
Variant type: single nucleotide variant.
Coding change: c.803A>C on transcript NM_001174147.2 (MANE Select); coding-DNA position 803, A replaced by C.
Protein change: p.Gln268Pro; replaces glutamine 268 with proline.
Molecular consequence: missense variant.
Genome position (GRCh38, 1-based): chr9:126,693,585, A>C. VCF-style: chr9-126693585-A-C. GRCh37 (hg19) VCF-style: chr9-129455864-A-C.
Other names: c.803A>C, p.Gln268Pro (NM_001174146.2, NM_002316.4); short protein forms Q268P.
Identifiers: ClinVar variation 1362181 (VCV001362181.8), dbSNP rs2118992851, ClinGen allele CA374913930.

ClinVar aggregate classification (germline): Uncertain significance (1 of 4 stars; one submission).

Submission:

Labcorp Genetics (formerly Invitae), Labcorp
Classification: Uncertain significance. Last evaluated: 2021-06-18. Review status: criteria provided, single submitter. Criteria: Invitae Variant Classification Sherloc (09022015). Collection method: clinical testing. Allele origin: germline.
Comment: This sequence change replaces glutamine with proline at codon 268 of the LMX1B protein (p.Gln268Pro). The glutamine residue is highly conserved and there is a moderate physicochemical difference between glutamine and proline. In summary, the available evidence is currently insufficient to determine the role of this variant in disease. Therefore, it has been classified as a Variant of Uncertain Significance. Algorithms developed to predict the effect of missense changes on protein structure and function are either unavailable or do not agree on the potential impact of this missense change (SIFT: "Deleterious"; PolyPhen-2: "Possibly Damaging"; Align-GVGD: "Class C0"). This variant has not been reported in the literature in individuals affected with LMX1B-related conditions. This variant is not present in population databases (ExAC no frequency).